The following is an entry in ClinVar:

ClinVar aggregate classification (germline): Uncertain significance (1 of 4 stars; one submission).

Conditions:
Severe combined immunodeficiency due to DNA-PKcs deficiency. Also called: IMMUNODEFICIENCY 26 WITH NEUROLOGIC ABNORMALITIES; Immunodeficiency 26 with or without neurologic abnormalities. Identifiers: Orphanet 317425, MedGen C4014833, MONDO:0014423, OMIM 615966.

Submission:

Labcorp Genetics (formerly Invitae), Labcorp
Classification: Uncertain significance for Severe combined immunodeficiency due to DNA-PKcs deficiency. Last evaluated: 2020-08-15. Review status: criteria provided, single submitter. Criteria: Invitae Variant Classification Sherloc (09022015). Collection method: clinical testing. Allele origin: germline.
Comment: This sequence change replaces alanine with glycine at codon 2212 of the PRKDC protein (p.Ala2212Gly). The alanine residue is moderately conserved and there is a small physicochemical difference between alanine and glycine. This variant is not present in population databases (ExAC no frequency). This variant has not been reported in the literature in individuals with PRKDC-related conditions. Experimental studies and prediction algorithms are not available or were not evaluated, and the functional significance of this variant is currently unknown. In summary, the available evidence is currently insufficient to determine the role of this variant in disease. Therefore, it has been classified as a Variant of Uncertain Significance.

NM_006904.7(PRKDC):c.6635C>G (p.Ala2212Gly)

Gene: PRKDC (protein kinase, DNA-activated, catalytic subunit; minus strand). Cytogenetic location: 8q11.21.
Variant type: single nucleotide variant.
Coding change: c.6635C>G on transcript NM_006904.7 (MANE Select); coding-DNA position 6635, C replaced by G.
Protein change: p.Ala2212Gly; replaces alanine 2212 with glycine.
Molecular consequence: missense variant.
Genome position (GRCh38, 1-based): chr8:47,855,348, G>C on the plus strand (C>G on the coding strand, the complement: PRKDC is on the minus strand). VCF-style: chr8-47855348-G-C. GRCh37 (hg19) VCF-style: chr8-48767909-G-C.
Other names: c.6635C>G, p.Ala2212Gly (NM_001081640.2); short protein forms A2212G.
Identifiers: ClinVar variation 1008572 (VCV001008572.6), dbSNP rs2088510654, ClinGen allele CA371159689.